The following is an entry in ClinVar:

NM_000493.4(COL10A1):c.1725del (p.Leu575fs)

Genes: COL10A1 (collagen type X alpha 1 chain; minus strand), NT5DC1 (5'-nucleotidase domain containing 1; plus strand). Cytogenetic location: 6q22.1.
Variant type: Deletion.
Coding change: c.1725del on transcript NM_000493.4 (MANE Select); coding-DNA position 1725, one base deleted (G; older notation c.1725delG).
Protein change: p.Leu575fs; shifts the reading frame from leucine 575.
Molecular consequence: frameshift variant. On other transcripts: intron variant (1).
Genome position (GRCh38, 1-based): chr6:116,120,391, C deleted on the plus strand (G on the coding strand, the reverse complement: COL10A1 is on the minus strand). VCF-style (leftmost placement, unchanged base first): chr6-116120390-AC-A. GRCh37 (hg19) VCF-style: chr6-116441553-AC-A.
Other names: c.1725del, p.Leu575fs (NM_001424106.1, NM_001424107.1); c.529+2446del (NM_152729.3); short protein forms L575fs.
Identifiers: ClinVar variation 1008255 (VCV001008255.10), dbSNP rs1779077264, ClinGen allele CA1657093309.

ClinVar aggregate classification (germline): Pathogenic (1 of 4 stars; one submission).

Submission:

Labcorp Genetics (formerly Invitae), Labcorp
Classification: Pathogenic. Last evaluated: 2024-01-02. Review status: criteria provided, single submitter. Criteria: Invitae Variant Classification Sherloc (09022015). Collection method: clinical testing. Allele origin: germline.
Comment: This sequence change creates a premature translational stop signal (p.Leu575Phefs*31) in the COL10A1 gene. While this is not anticipated to result in nonsense mediated decay, it is expected to disrupt the last 106 amino acid(s) of the COL10A1 protein. This variant is not present in population databases (gnomAD no frequency). This premature translational stop signal has been observed in individual(s) with clinical features of autosomal dominant metaphyseal chondrodysplasia, Schmid type (Invitae). It has also been observed to segregate with disease in related individuals. ClinVar contains an entry for this variant (Variation ID: 1008255). This variant is located in a region of the COL10A1 protein where a significant number of COL10A1 nonsense and frameshift mutations have been reported in association with autosomal dominant metaphyseal chondrodysplasia (PMID: 21447328, 33764685, 36400164). For these reasons, this variant has been classified as Pathogenic.

Literature cited by the submitters: PubMed 21447328; PubMed 33764685; PubMed 36400164.